The following is an entry in ClinVar:

NM_012208.4(HARS2):c.633+44C>T

Gene: HARS2 (histidyl-tRNA synthetase 2, mitochondrial; plus strand). Cytogenetic location: 5q31.3.
Variant type: single nucleotide variant.
Coding change: c.633+44C>T on transcript NM_012208.4 (MANE Select); 44 bases into the intron after coding-DNA position 633, C replaced by T.
Molecular consequence: intron variant.
Genome position (GRCh38, 1-based): chr5:140,695,889, C>T. VCF-style: chr5-140695889-C-T. GRCh37 (hg19) VCF-style: chr5-140075474-C-T.
Other names: c.201+44C>T (NM_001278732.2); c.651+44C>T (NM_001363535.2); c.558+44C>T (NM_001278731.2); c.423+44C>T (NM_001363536.2).
Identifiers: ClinVar variation 675596 (VCV000675596.1), dbSNP rs17119056, ClinGen allele CA3444482.
Genomic context (GRCh38, chr5:140,695,889, plus strand): 5'-GAGACTTTCTCATTAAGGTGAGGCCAGGGCTGAGAACTGTGGGAGAAGTCTGGATTTGGC[C>T]TAATACTGTTTATGCAAGTCCCAAACTTGGGTGACTCCAACCCTTAAGCCTGCAACTGTA-3'

ClinVar aggregate classification (germline): Benign (1 of 4 stars; one submission).

Allele frequency attached by ClinVar (database versions not stated): 1000 Genomes Project 30x 0.05169; 1000 Genomes Project 0.05292; gnomAD 0.07164 and 0.07178; ESP Exome Variant Server 0.07174; TOPMed 0.07196; ExAC 0.07908; gnomAD exomes 0.08173.
gnomAD v4.1: 121,585 of 1,429,014 alleles (8.5%); highest among the groups gnomAD compares: Admixed American, 10%; 5,531 homozygotes.

Submission:

GeneDx
Classification: Benign. Last evaluated: 2018-06-14. Review status: criteria provided, single submitter. Criteria: GeneDx Variant Classification (06012015). Collection method: clinical testing. Allele origin: germline. Affected: yes.
Comment: This variant is considered likely benign or benign based on one or more of the following criteria: it is a conservative change, it occurs at a poorly conserved position in the protein, it is predicted to be benign by multiple in silico algorithms, and/or has population frequency not consistent with disease.